The following is an entry in ClinVar:

NM_017934.7(PHIP):c.129+1G>A

Gene: PHIP (PHIP subunit of CUL4-Ring ligase complex; minus strand). Cytogenetic location: 6q14.1.
Variant type: single nucleotide variant.
Coding change: c.129+1G>A on transcript NM_017934.7 (MANE Select); the canonical splice donor site of the intron after coding-DNA position 129, G replaced by A.
Molecular consequence: splice donor variant.
Genome position (GRCh38, 1-based): chr6:79,077,699, C>T on the plus strand (G>A on the coding strand, the complement: PHIP is on the minus strand). VCF-style: chr6-79077699-C-T. GRCh37 (hg19) VCF-style: chr6-79787416-C-T.
Identifiers: ClinVar variation 2876286 (VCV002876286.3), dbSNP rs2482425097, ClinGen allele CA364652434.

ClinVar aggregate classification (germline): Likely pathogenic (1 of 4 stars; one submission).

Submission:

Labcorp Genetics (formerly Invitae), Labcorp
Classification: Likely pathogenic. Last evaluated: 2023-12-21. Review status: criteria provided, single submitter. Criteria: Invitae Variant Classification Sherloc (09022015). Collection method: clinical testing. Allele origin: germline.
Comment: This sequence change affects a donor splice site in intron 3 of the PHIP gene. It is expected to disrupt RNA splicing. Variants that disrupt the donor or acceptor splice site typically lead to a loss of protein function (PMID: 16199547), and loss-of-function variants in PHIP are known to be pathogenic (PMID: 27900362). The frequency data for this variant in the population databases is considered unreliable, as metrics indicate insufficient coverage at this position in the gnomAD database. This variant has not been reported in the literature in individuals affected with PHIP-related conditions. Algorithms developed to predict the effect of sequence changes on RNA splicing suggest that this variant may disrupt the consensus splice site. In summary, the currently available evidence indicates that the variant is pathogenic, but additional data are needed to prove that conclusively. Therefore, this variant has been classified as Likely Pathogenic.

Literature cited by the submitters: PubMed 16199547; PubMed 27900362.